The following is an entry in ClinVar:

NM_014712.3(SETD1A):c.1129C>T (p.Gln377Ter)

Gene: SETD1A (SET domain containing 1A, histone lysine methyltransferase; plus strand). Cytogenetic location: 16p11.2.
Variant type: single nucleotide variant.
Coding change: c.1129C>T on transcript NM_014712.3 (MANE Select); coding-DNA position 1129, C replaced by T.
Protein change: p.Gln377Ter; replaces glutamine 377 with a stop codon.
Molecular consequence: nonsense.
Genome position (GRCh38, 1-based): chr16:30,964,871, C>T. VCF-style: chr16-30964871-C-T. GRCh37 (hg19) VCF-style: chr16-30976192-C-T.
Other names: short protein forms Q377*.
Identifiers: ClinVar variation 3772256 (VCV003772256.13).

ClinVar aggregate classification (germline): Likely pathogenic (1 of 4 stars; one submission).

Submission:

CeGaT Center for Human Genetics Tuebingen
Classification: Likely pathogenic. Last evaluated: 2025-01-01. Review status: criteria provided, single submitter. Criteria: CeGaT Center For Human Genetics Tuebingen Variant Classification Criteria Version 2. Collection method: clinical testing. Allele origin: germline. Affected: yes. Observed: 1 variant allele.
Comment: SETD1A: PVS1:Strong, PM2